The following is an entry in ClinVar:

ClinVar aggregate classification (germline): Uncertain significance (1 of 4 stars; one submission).

Conditions:
Fanconi anemia complementation group O. Also called: RAD51C-Related Fanconi Anemia. Identifiers: Orphanet 84, MedGen C3150653, MONDO:0013248, OMIM 613390.

Submission:

Labcorp Genetics (formerly Invitae), Labcorp
Classification: Uncertain significance for Fanconi anemia complementation group O. Last evaluated: 2025-07-31. Review status: criteria provided, single submitter. Criteria: Invitae Variant Classification Sherloc (09022015). Collection method: clinical testing. Allele origin: germline.
Comment: This sequence change falls in intron 8 of the RAD51C gene. It does not directly change the encoded amino acid sequence of the RAD51C protein. It affects a nucleotide within the consensus splice site. This variant is not present in population databases (gnomAD no frequency). This variant has not been reported in the literature in individuals affected with RAD51C-related conditions. ClinVar contains an entry for this variant (Variation ID: 2024574). Variants that disrupt the consensus splice site are a relatively common cause of aberrant splicing (PMID: 17576681, 9536098). Studies have shown that this variant is associated with inconclusive levels of altered splicing (internal data). In summary, the available evidence is currently insufficient to determine the role of this variant in disease. Therefore, it has been classified as a Variant of Uncertain Significance.

Literature cited by the submitters: PubMed 17576681; PubMed 9536098.

NM_058216.3(RAD51C):c.1026+4A>T

Gene: RAD51C (RAD51 paralog C; plus strand). Cytogenetic location: 17q22.
Variant type: single nucleotide variant.
Coding change: c.1026+4A>T on transcript NM_058216.3 (MANE Select); 4 bases into the intron after coding-DNA position 1026, A replaced by T.
Molecular consequence: intron variant.
Genome position (GRCh38, 1-based): chr17:58,732,548, A>T. VCF-style: chr17-58732548-A-T. GRCh37 (hg19) VCF-style: chr17-56809909-A-T.
Identifiers: ClinVar variation 2024574 (VCV002024574.4), dbSNP rs2509364502, ClinGen allele CA400365296.